The following is an entry in ClinVar:

ClinVar aggregate classification (germline): Uncertain significance (1 of 4 stars; one submission).

Conditions:
Neurofibromatosis, type 2 (SWNV). Also called: BILATERAL ACOUSTIC NEUROFIBROMATOSIS; SCHWANNOMATOSIS, VESTIBULAR; NF2-Related Schwannomatosis. Identifiers: Orphanet 637, MedGen C0027832, MONDO:0007039, OMIM 101000. Disease mechanism: loss of function.

Submission:

Labcorp Genetics (formerly Invitae), Labcorp
Classification: Uncertain significance for Neurofibromatosis, type 2. Last evaluated: 2025-02-03. Review status: criteria provided, single submitter. Criteria: Invitae Variant Classification Sherloc (09022015). Collection method: clinical testing. Allele origin: germline.
Comment: This sequence change replaces threonine, which is neutral and polar, with isoleucine, which is neutral and non-polar, at codon 59 of the NF2 protein (p.Thr59Ile). This variant is not present in population databases (gnomAD no frequency). This variant has not been reported in the literature in individuals affected with NF2-related conditions. Invitae Evidence Modeling of protein sequence and biophysical properties (such as structural, functional, and spatial information, amino acid conservation, physicochemical variation, residue mobility, and thermodynamic stability) indicates that this missense variant is not expected to disrupt NF2 protein function with a negative predictive value of 80%. In summary, the available evidence is currently insufficient to determine the role of this variant in disease. Therefore, it has been classified as a Variant of Uncertain Significance.

NM_000268.4(NF2):c.176C>T (p.Thr59Ile)

Gene: NF2 (NF2, moesin-ezrin-radixin like (MERLIN) tumor suppressor; plus strand). Cytogenetic location: 22q12.2.
Variant type: single nucleotide variant.
Coding change: c.176C>T on transcript NM_000268.4 (MANE Select); coding-DNA position 176, C replaced by T.
Protein change: p.Thr59Ile; replaces threonine 59 with isoleucine.
Molecular consequence: missense variant. On other transcripts: 5 prime UTR variant (2), intron variant (6).
Genome position (GRCh38, 1-based): chr22:29,636,812, C>T. VCF-style: chr22-29636812-C-T. GRCh37 (hg19) VCF-style: chr22-30032801-C-T.
Other names: c.62C>T, p.Thr21Ile (NM_001407053.1, NM_001407056.1); c.176C>T, p.Thr59Ile (NM_001407054.1, NM_001407057.1, NM_001407058.1 and 9 more transcripts); c.-465C>T (NM_001407065.1); c.-81C>T (NM_001407067.1); c.115-2278C>T (NM_181828.3, NM_001407055.1); c.115-5390C>T (NM_001407063.1, NM_181830.3, NM_001407064.1 and 1 more transcripts); short protein forms T59I, T21I.
Identifiers: ClinVar variation 3703977 (VCV003703977.2).